The following is an entry in ClinVar:

ClinVar aggregate classification (germline): Uncertain significance (1 of 4 stars; one submission).

Conditions:
EGFR-related lung cancer (EGFR). Identifiers: MedGen CN130014.

Submission:

Labcorp Genetics (formerly Invitae), Labcorp
Classification: Uncertain significance for EGFR-related lung cancer. Last evaluated: 2025-02-13. Review status: criteria provided, single submitter. Criteria: Invitae Variant Classification Sherloc (09022015). Collection method: clinical testing. Allele origin: germline.
Comment: This sequence change replaces isoleucine, which is neutral and non-polar, with valine, which is neutral and non-polar, at codon 356 of the EGFR protein (p.Ile356Val). This variant is not present in population databases (gnomAD no frequency). This variant has not been reported in the literature in individuals affected with EGFR-related conditions. Invitae Evidence Modeling of protein sequence and biophysical properties (such as structural, functional, and spatial information, amino acid conservation, physicochemical variation, residue mobility, and thermodynamic stability) indicates that this missense variant is not expected to disrupt EGFR protein function with a negative predictive value of 80%. In summary, the available evidence is currently insufficient to determine the role of this variant in disease. Therefore, it has been classified as a Variant of Uncertain Significance.

NM_005228.5(EGFR):c.1066A>G (p.Ile356Val)

Genes: EGFR (epidermal growth factor receptor; plus strand), LOC126860048 (P300/CBP strongly-dependent group 1 enhancer GRCh37_chr7:55223847-55225046; plus strand). Cytogenetic location: 7p11.2.
Variant type: single nucleotide variant.
Coding change: c.1066A>G on transcript NM_005228.5 (MANE Select); coding-DNA position 1066, A replaced by G.
Protein change: p.Ile356Val; replaces isoleucine 356 with valine.
Molecular consequence: missense variant.
Genome position (GRCh38, 1-based): chr7:55,156,592, A>G. VCF-style: chr7-55156592-A-G. GRCh37 (hg19) VCF-style: chr7-55224285-A-G.
Other names: c.931A>G, p.Ile311Val (NM_001346897.2, NM_001346899.2); c.1066A>G, p.Ile356Val (NM_001346898.2, NM_201282.2, NM_201283.2 and 1 more transcripts); c.907A>G, p.Ile303Val (NM_001346900.2); c.265A>G, p.Ile89Val (NM_001346941.2); short protein forms I311V, I303V, I356V, I89V.
Identifiers: ClinVar variation 3674039 (VCV003674039.2).